The following is an entry in ClinVar:

ClinVar aggregate classification (germline): Uncertain significance. Review status: criteria provided, multiple submitters, no conflicts (2 of 4 stars). 3 submissions from 3 submitters: Uncertain significance (3). Last evaluated 2023-07-18.

Allele frequency attached by ClinVar (database versions not stated): 1000 Genomes Project 30x 0.00016; 1000 Genomes Project 0.00020; TOPMed 0.00039; gnomAD 0.00056 and 0.00059; gnomAD exomes 0.00060 and 0.00087; ExAC 0.00063; ESP Exome Variant Server 0.00046.

Submissions (3):

Women's Health and Genetics/Laboratory Corporation of America, LabCorp
Classification: Uncertain significance. Last evaluated: 2023-07-18. Review status: criteria provided, single submitter. Criteria: LabCorp Variant Classification Summary - May 2015. Collection method: clinical testing. Allele origin: germline.
Comment: Variant summary: PAX1 c.937G>A (p.Gly313Ser) results in a non-conservative amino acid change in the encoded protein sequence. Three of five in-silico tools predict a damaging effect of the variant on protein function. The variant allele was found at a frequency of 0.0006 in 251030 control chromosomes (gnomAD). c.937G>A has been reported in the literature in an individual affected with KlippelFeil syndrome without strong evidence of causality (McGaughran_2003). This report does not provide unequivocal conclusions about association of the variant with Otofaciocervical Syndrome 2. To our knowledge, no experimental evidence demonstrating an impact on protein function has been reported. The following publication has been ascertained in the context of this evaluation (PMID: 12774041). Two submitters have cited clinical-significance assessments for this variant to ClinVar after 2014, and classified the variant as uncertain significance. Based on the evidence outlined above, the variant was classified as uncertain significance.

CeGaT Center for Human Genetics Tuebingen
Classification: Uncertain significance. Last evaluated: 2023-03-01. Review status: criteria provided, single submitter. Criteria: CeGaT Center For Human Genetics Tuebingen Variant Classification Criteria Version 2. Collection method: clinical testing. Allele origin: germline. Affected: yes. Observed: 1 variant allele.
Comment: PAX1: PM2:Supporting, PS4:Supporting

Labcorp Genetics (formerly Invitae), Labcorp
Classification: Uncertain significance. Last evaluated: 2022-07-20. Review status: criteria provided, single submitter. Criteria: Invitae Variant Classification Sherloc (09022015). Collection method: clinical testing. Allele origin: germline.
Comment: This sequence change replaces glycine, which is neutral and non-polar, with serine, which is neutral and polar, at codon 313 of the PAX1 protein (p.Gly313Ser). This variant is present in population databases (rs149840627, gnomAD 0.2%), and has an allele count higher than expected for a pathogenic variant. This variant has not been reported in the literature in individuals affected with PAX1-related conditions. ClinVar contains an entry for this variant (Variation ID: 1043468). Algorithms developed to predict the effect of missense changes on protein structure and function output the following: SIFT: "Tolerated"; PolyPhen-2: "Benign"; Align-GVGD: "Class C0". The serine amino acid residue is found in multiple mammalian species, which suggests that this missense change does not adversely affect protein function. In summary, the available evidence is currently insufficient to determine the role of this variant in disease. Therefore, it has been classified as a Variant of Uncertain Significance.

Literature cited by the submitters: PubMed 12774041 (cited by Women's Health and Genetics/Laboratory Corporation of America, LabCorp).

NM_001257096.2(PAX1):c.937G>A (p.Gly313Ser)

Gene: PAX1 (paired box 1; plus strand). Cytogenetic location: 20p11.22.
Variant type: single nucleotide variant.
Coding change: c.937G>A on transcript NM_001257096.2 (MANE Select); coding-DNA position 937, G replaced by A.
Protein change: p.Gly313Ser; replaces glycine 313 with serine.
Molecular consequence: missense variant.
Genome position (GRCh38, 1-based): chr20:21,708,578, G>A. VCF-style: chr20-21708578-G-A. GRCh37 (hg19) VCF-style: chr20-21689216-G-A.
Other names: c.937G>A, p.Gly313Ser (NM_006192.5); c.937G>A (NM_001257096.1); short protein forms G313S.
Identifiers: ClinVar variation 1043468 (VCV001043468.31), dbSNP rs149840627, ClinGen allele CA9786627.